The following is an entry in ClinVar:

NM_000465.4(BARD1):c.1868G>C (p.Gly623Ala)

Gene: BARD1 (BRCA1 associated RING domain 1; minus strand). Cytogenetic location: 2q35.
Variant type: single nucleotide variant.
Coding change: c.1868G>C on transcript NM_000465.4 (MANE Select); coding-DNA position 1868, G replaced by C.
Protein change: p.Gly623Ala; replaces glycine 623 with alanine.
Molecular consequence: missense variant. On other transcripts: non-coding transcript variant (3), intron variant (1).
Genome position (GRCh38, 1-based): chr2:214,745,102, C>G on the plus strand (G>C on the coding strand, the complement: BARD1 is on the minus strand). VCF-style: chr2-214745102-C-G. GRCh37 (hg19) VCF-style: chr2-215609826-C-G.
Other names: c.1811G>C, p.Gly604Ala (NM_001282543.2); c.515G>C, p.Gly172Ala (NM_001282545.2); c.458G>C, p.Gly153Ala (NM_001282548.2); c.365-14594G>C (NM_001282549.2); short protein forms G153A, G604A, G623A, G172A.
Identifiers: ClinVar variation 1781606 (VCV001781606.6), dbSNP rs587782252, ClinGen allele CA350452137.

ClinVar aggregate classification (germline): Uncertain significance. Review status: criteria provided, multiple submitters, no conflicts (2 of 4 stars). 2 submissions from 2 submitters: Uncertain significance (2). Last evaluated 2023-12-14.

Conditions:
Hereditary cancer-predisposing syndrome. Also called: Neoplastic Syndromes, Hereditary; Tumor predisposition; Hereditary Cancer Syndrome; Hereditary neoplastic syndrome. Identifiers: Orphanet 140162, MedGen C0027672, MeSH D009386, MONDO:0015356.
Familial cancer of breast. Also called: BREAST CANCER, FAMILIAL; Hereditary breast cancer; hereditary breast carcinoma. Identifiers: Orphanet 227535, MedGen C0346153, MONDO:0016419, OMIM 114480. Disease mechanism: loss of function.

gnomAD v4.1: 1 of 1,613,950 alleles (0.000062%); highest among the groups gnomAD compares: Non-Finnish European, 0.000085%; no homozygotes.

Submissions (2):

Labcorp Genetics (formerly Invitae), Labcorp
Classification: Uncertain significance for Familial cancer of breast. Last evaluated: 2023-12-14. Review status: criteria provided, single submitter. Criteria: Invitae Variant Classification Sherloc (09022015). Collection method: clinical testing. Allele origin: germline.
Comment: This sequence change replaces glycine, which is neutral and non-polar, with alanine, which is neutral and non-polar, at codon 623 of the BARD1 protein (p.Gly623Ala). This variant is not present in population databases (gnomAD no frequency). This variant has not been reported in the literature in individuals affected with BARD1-related conditions. ClinVar contains an entry for this variant (Variation ID: 1781606). An algorithm developed to predict the effect of missense changes on protein structure and function (PolyPhen-2) suggests that this variant is likely to be disruptive. In summary, the available evidence is currently insufficient to determine the role of this variant in disease. Therefore, it has been classified as a Variant of Uncertain Significance.

Ambry Genetics
Classification: Uncertain significance for Hereditary cancer-predisposing syndrome. Last evaluated: 2023-02-05. Review status: criteria provided, single submitter. Criteria: Ambry Variant Classification Scheme 2023. Collection method: clinical testing. Allele origin: germline.
Comment: The p.G623A variant (also known as c.1868G>C), located in coding exon 9 of the BARD1 gene, results from a G to C substitution at nucleotide position 1868. The glycine at codon 623 is replaced by alanine, an amino acid with similar properties. This amino acid position is well conserved in available vertebrate species. In addition, this alteration is predicted to be tolerated by in silico analysis. Since supporting evidence is limited at this time, the clinical significance of this alteration remains unclear.